The following is an entry in ClinVar:

NM_006531.5(IFT88):c.784C>T (p.Gln262Ter)

Gene: IFT88 (intraflagellar transport 88; plus strand). Cytogenetic location: 13q12.11.
Variant type: single nucleotide variant.
Coding change: c.784C>T on transcript NM_006531.5 (MANE Select); coding-DNA position 784, C replaced by T.
Protein change: p.Gln262Ter; replaces glutamine 262 with a stop codon.
Molecular consequence: nonsense. On other transcripts: non-coding transcript variant (5).
Genome position (GRCh38, 1-based): chr13:20,599,537, C>T. VCF-style: chr13-20599537-C-T. GRCh37 (hg19) VCF-style: chr13-21173676-C-T.
Other names: c.727C>T, p.Gln243Ter (NM_001318491.2, NM_001353573.2, NM_001353574.2 and 1 more transcripts); c.811C>T, p.Gln271Ter (NM_001318493.2, NM_001353565.2, NM_001353566.2 and 6 more transcripts); c.784C>T, p.Gln262Ter (NM_001353568.2, NM_001353571.2, NM_001353572.2 and 1 more transcripts); c.151C>T, p.Gln51Ter (NM_001353579.2); short protein forms Q243*, Q262*, Q271*, Q51*.
Identifiers: ClinVar variation 2416567 (VCV002416567.6), dbSNP rs771777604, ClinGen allele CA6905184.

ClinVar aggregate classification (germline): Uncertain significance (1 of 4 stars; one submission).

Allele frequency attached by ClinVar (database versions not stated): ExAC 0.00006; TOPMed 0.00009; gnomAD 0.00011.

Submission:

Labcorp Genetics (formerly Invitae), Labcorp
Classification: Uncertain significance. Last evaluated: 2025-12-06. Review status: criteria provided, single submitter. Criteria: Invitae Variant Classification Sherloc (09022015). Collection method: clinical testing. Allele origin: germline.
Comment: This sequence change creates a premature translational stop signal (p.Gln271*) in the IFT88 gene. It is expected to result in an absent or disrupted protein product. However, the current clinical and genetic evidence is not sufficient to establish whether loss-of-function variants in IFT88 cause disease. This variant is present in population databases (rs771777604, gnomAD 0.06%), and has an allele count higher than expected for a pathogenic variant. This variant has not been reported in the literature in individuals affected with IFT88-related conditions. ClinVar contains an entry for this variant (Variation ID: 2416567). Algorithms developed to predict the effect of sequence changes on RNA splicing suggest that this variant may disrupt the consensus splice site. In summary, the available evidence is currently insufficient to determine the role of this variant in disease. Therefore, it has been classified as a Variant of Uncertain Significance.